The following is an entry in ClinVar:

NM_152564.5(VPS13B):c.6539T>G (p.Ile2180Arg)

Gene: VPS13B (vacuolar protein sorting 13 homolog B; plus strand). Cytogenetic location: 8q22.2.
Variant type: single nucleotide variant.
Coding change: c.6539T>G on transcript NM_152564.5 (MANE Select); coding-DNA position 6539, T replaced by G.
Protein change: p.Ile2180Arg; replaces isoleucine 2180 with arginine.
Molecular consequence: missense variant.
Genome position (GRCh38, 1-based): chr8:99,717,255, T>G. VCF-style: chr8-99717255-T-G. GRCh37 (hg19) VCF-style: chr8-100729483-T-G.
Other names: c.6614T>G, p.Ile2205Arg (NM_017890.5); short protein forms I2180R, I2205R.
Identifiers: ClinVar variation 2128135 (VCV002128135.4), dbSNP rs1037803923, ClinGen allele CA371867254.
Genomic context (GRCh38, chr8:99,717,255, plus strand): 5'-TACTCAGTATAAACGATTTTCTCCTTAAAACAAGTCTCAAAGAAAGAAGCCGCATTCTGA[T>G]AGGACCATGTTGTGCTACTGCCAATCTGGAAGCTAAGTGGTGTAAACACAGCGGGAATCC-3'
Protein context (NP_689777.3, residues 2170-2190): TSLKERSRIL[Ile2180Arg]GPCCATANLE

ClinVar aggregate classification (germline): Uncertain significance (1 of 4 stars; one submission).

Conditions:
Cohen syndrome (COH1). Also called: Cutis verticis gyrata, retinitis pigmentosa, and sensorineural deafness; PEPPER SYNDROME. Identifiers: Orphanet 193, MedGen C0265223, MONDO:0008999, OMIM 216550.

Submission:

Labcorp Genetics (formerly Invitae), Labcorp
Classification: Uncertain significance for Cohen syndrome. Last evaluated: 2022-08-22. Review status: criteria provided, single submitter. Criteria: Invitae Variant Classification Sherloc (09022015). Collection method: clinical testing. Allele origin: germline.
Comment: In summary, the available evidence is currently insufficient to determine the role of this variant in disease. Therefore, it has been classified as a Variant of Uncertain Significance. This sequence change replaces isoleucine, which is neutral and non-polar, with arginine, which is basic and polar, at codon 2205 of the VPS13B protein (p.Ile2205Arg). This variant is not present in population databases (gnomAD no frequency). This missense change has been observed in individual(s) with retinitis pigmentosa (Invitae). In at least one individual the data is consistent with being in trans (on the opposite chromosome) from a pathogenic variant. Algorithms developed to predict the effect of missense changes on protein structure and function are either unavailable or do not agree on the potential impact of this missense change (SIFT: "Not Available"; PolyPhen-2: "Benign"; Align-GVGD: "Not Available").